The following is an entry in ClinVar:

NM_022773.4(LMF1):c.77A>G (p.Glu26Gly)

Genes: LMF1 (lipase maturation factor 1; minus strand), LOC130058141 (ATAC-STARR-seq lymphoblastoid silent region 6962; plus strand). Cytogenetic location: 16p13.3.
Variant type: single nucleotide variant.
Coding change: c.77A>G on transcript NM_022773.4 (MANE Select); coding-DNA position 77, A replaced by G.
Protein change: p.Glu26Gly; replaces glutamic acid 26 with glycine.
Molecular consequence: missense variant. On other transcripts: 5 prime UTR variant (1), non-coding transcript variant (1), intron variant (3).
Genome position (GRCh38, 1-based): chr16:970,904, T>C on the plus strand (A>G on the coding strand, the complement: LMF1 is on the minus strand). VCF-style: chr16-970904-T-C. GRCh37 (hg19) VCF-style: chr16-1020904-T-C.
Other names: c.77A>G, p.Glu26Gly (NM_001352020.1); c.-629A>G (NM_001352021.2); c.-135+10241A>G (NM_001352019.2); c.-611+10241A>G (NM_001352017.2); c.-362+10241A>G (NM_001352018.2); short protein forms E26G.
Identifiers: ClinVar variation 3867460 (VCV003867460.1).

ClinVar aggregate classification (germline): Uncertain significance (1 of 4 stars; one submission).

Conditions:
Cardiovascular phenotype. Identifiers: MedGen CN230736.

gnomAD v4.1: 9 of 1,580,772 alleles (0.00057%); highest among the groups gnomAD compares: Middle Eastern, 0.017%; no homozygotes.

Submission:

Ambry Genetics
Classification: Uncertain significance for Cardiovascular phenotype. Last evaluated: 2024-12-14. Review status: criteria provided, single submitter. Criteria: Ambry Variant Classification Scheme 2023. Collection method: clinical testing. Allele origin: germline.
Comment: The p.E26G variant (also known as c.77A>G), located in coding exon 1 of the LMF1 gene, results from an A to G substitution at nucleotide position 77. The glutamic acid at codon 26 is replaced by glycine, an amino acid with similar properties. This amino acid position is conserved. In addition, this alteration is predicted to be tolerated by in silico analysis. Based on the available evidence, the clinical significance of this variant remains unclear.